The following is an entry in ClinVar:

NM_003640.5(ELP1):c.3840G>C (p.Gln1280His)

Gene: ELP1 (elongator acetyltransferase complex subunit 1; minus strand). Cytogenetic location: 9q31.3.
Variant type: single nucleotide variant.
Coding change: c.3840G>C on transcript NM_003640.5 (MANE Select); coding-DNA position 3840, G replaced by C.
Protein change: p.Gln1280His; replaces glutamine 1280 with histidine.
Molecular consequence: missense variant.
Genome position (GRCh38, 1-based): chr9:108,878,010, C>G on the plus strand (G>C on the coding strand, the complement: ELP1 is on the minus strand). VCF-style: chr9-108878010-C-G. GRCh37 (hg19) VCF-style: chr9-111640290-C-G.
Other names: c.3498G>C, p.Gln1166His (NM_001318360.2); c.2793G>C, p.Gln931His (NM_001330749.2); short protein forms Q1166H, Q1280H, Q931H.
Identifiers: ClinVar variation 2503509 (VCV002503509.1), dbSNP rs2537854779, ClinGen allele CA374410548.

ClinVar aggregate classification (germline): Uncertain significance (1 of 4 stars; one submission).

Conditions:
Medulloblastoma (MDB). Also called: Medulloblastoma, somatic; MEDULLOBLASTOMA PREDISPOSITION SYNDROME. Identifiers: Orphanet 616, MedGen C0025149, MeSH D008527, MONDO:0007959, OMIM 155255, HP:0002885.

Submission:

St. Jude Molecular Pathology, St. Jude Children's Research Hospital
Classification: Uncertain significance for Medulloblastoma. Last evaluated: 2023-03-29. Review status: criteria provided, single submitter. Criteria: St. Jude Assertion Criteria 2020. Collection method: clinical testing. Allele origin: germline.
Comment: The ELP1 c.3840G>C (p.Gln1280His) missense change is absent in gnomAD v2.1.1. The in silico tool REVEL predicts a benign effect on protein function, but to our knowledge this prediction has not been confirmed by functional studies. To our knowledge, this variant has not been reported in individuals with a personal or family history of medulloblastoma. In summary, the evidence currently available is insufficient to determine the clinical significance of this variant. It has therefore been classified as of uncertain significance.